The following is an entry in ClinVar:

ClinVar aggregate classification (germline): Pathogenic/Likely pathogenic. Review status: criteria provided, multiple submitters, no conflicts (2 of 4 stars). 10 submissions from 10 submitters: Pathogenic (7); Likely pathogenic (2). 1 of the submissions does not count toward it. Last evaluated 2026-02-17.

Conditions:
NR2E3-related disorder. Also called: NR2E3-related condition; NR2E3-related disorders. Identifiers: MedGen CN239387.
Retinal dystrophy. Also called: Inherited retinal dystrophy. Identifiers: Orphanet 71862, MedGen C0854723, MeSH D058499, MONDO:0019118, HP:0000556.
Retinitis pigmentosa (RP). Identifiers: Orphanet 791, MedGen C0035334, MeSH D012174, MONDO:0019200, OMIM 268000. Inheritance: Autosomal dominant, autosomal recessive and X linked inheritance.
Enhanced S-cone syndrome (ESCS). Identifiers: Orphanet 53540, MedGen C1849394, MONDO:0100288, MONDO:0009989.

Allele frequency attached by ClinVar (database versions not stated): TOPMed 0.00002; gnomAD 0.00003.

Submissions (10):

PreventionGenetics, part of Exact Sciences
Classification: Pathogenic for NR2E3-related condition. Last evaluated: 2026-02-17. Review status: criteria provided, single submitter. Criteria: ACMG Guidelines, 2015. Collection method: clinical testing. Allele origin: germline.
Comment: The NR2E3 c.226C>T variant is predicted to result in the amino acid substitution p.Arg76Trp. This variant has been reported in the compound heterozygous state in individuals with enhanced S-cone syndrome and related retinal disease (Haider et al. 2000. PubMed ID: 10655056; Ge et al. 2015. PubMed ID: 26667666; Table S1, Stone et al. 2017. PubMed ID: 28559085; Table S2, Zampaglione et al. 2020. PubMed ID: 32037395). In vitro analysis demonstrated the p.Arg76Trp variant impacts protein function, including DNA binding and protein dimerization (Roduit et al. 2009. PubMed ID: 19823680; Kanda et al. 2009. PubMed ID: 19898638). This variant is reported in 0.014% of alleles in individuals of South Asian descent in gnomAD. Given the evidence, we interpret this variant as pathogenic for autosomal recessive disease.

Labcorp Genetics (formerly Invitae), Labcorp
Classification: Pathogenic. Last evaluated: 2026-01-05. Review status: criteria provided, single submitter. Criteria: Invitae Variant Classification Sherloc (09022015). Collection method: clinical testing. Allele origin: germline.
Comment: This sequence change replaces arginine, which is basic and polar, with tryptophan, which is neutral and slightly polar, at codon 76 of the NR2E3 protein (p.Arg76Trp). The frequency data for this variant in the population databases is considered unreliable, as metrics indicate poor data quality at this position in the gnomAD database. This missense change has been observed in individual(s) with enhanced S cone syndrome or autosomal recessive retinitis pigmentosa (PMID: 10655056, 26667666, 28559085). In at least one individual the data is consistent with being in trans (on the opposite chromosome) from a pathogenic variant. ClinVar contains an entry for this variant (Variation ID: 5529). Invitae Evidence Modeling of protein sequence and biophysical properties (such as structural, functional, and spatial information, amino acid conservation, physicochemical variation, residue mobility, and thermodynamic stability) indicates that this missense variant is expected to disrupt NR2E3 protein function with a positive predictive value of 80%. Experimental studies have shown that this missense change affects NR2E3 function (PMID: 19823680, 19898638, 27013732). This variant disrupts the p.Arg76 amino acid residue in NR2E3. Other variant(s) that disrupt this residue have been determined to be pathogenic (PMID: 19823680, 19898638, 27013732, 28418496, 30324420; internal data). This suggests that this residue is clinically significant, and that variants that disrupt this residue are likely to be disease-causing. For these reasons, this variant has been classified as Pathogenic.

Natera, Inc.
Classification: Pathogenic for Enhanced S cone syndrome. Last evaluated: 2025-11-17. Review status: criteria provided, single submitter. Criteria: Natera Variant Classification Schema (03/2026). Collection method: clinical testing. Allele origin: germline.
Comment: The c.226C>T variant in NR2E3 is a missense variant predicted to cause substitution of arginine to tryptophan at amino acid 76. This variant is rare in the general population with a frequency below the threshold expected for the associated phenotype(s). This variant has been observed in one or more individuals affected with the associated recessive disease, as either homozygous or compound heterozygous with a second variant (PMID: 28559085, 37648803, 19718767, 33138239, 32037395). A different variant at the same position has been determined to be Pathogenic or Likely Pathogenic. Computational prediction algorithms indicate this variant is likely to affect gene or protein function. Given the available evidence, this variant is classified as Pathogenic.

Ophthalmic Genetics Group, Institute of Molecular and Clinical Ophthalmology Basel
Classification: Pathogenic for Retinal dystrophy. Last evaluated: 2024-05-27. Review status: criteria provided, single submitter. Criteria: ACMG Guidelines, 2015. Collection method: research. Allele origin: germline. Affected: yes. Observed: 4 variant alleles.
Comment: This variant was classified as Pathogenic based on ACMG criteria: PS3_sup, PM1_mod, PM2_mod, PM3_strong and PM5_mod

Baylor Genetics
Classification: Likely pathogenic for ENHANCED S-CONE SYNDROME 1. Last evaluated: 2024-03-25. Review status: criteria provided, single submitter. Criteria: ACMG Guidelines, 2015. Collection method: clinical testing. Allele origin: unknown.

Dept Of Ophthalmology, Nagoya University
Classification: Likely pathogenic for Retinal dystrophy. Last evaluated: 2023-10-01. Review status: criteria provided, single submitter. Criteria: Submitter's publication. Collection method: research. Allele origin: germline. Affected: yes.

Women's Health and Genetics/Laboratory Corporation of America, LabCorp
Classification: Pathogenic for Retinitis pigmentosa. Last evaluated: 2023-07-11. Review status: criteria provided, single submitter. Criteria: LabCorp Variant Classification Summary - May 2015. Collection method: clinical testing. Allele origin: germline.
Comment: Variant summary: NR2E3 c.226C>T (p.Arg76Trp) results in a non-conservative amino acid change located in the Zinc finger, nuclear hormone receptor-type domain (IPR001628) / DNA-binding domain of the encoded protein sequence. Three of four in-silico tools predict a damaging effect of the variant on protein function. The variant allele was found at a frequency of 3e-05 in 229784 control chromosomes. c.226C>T has been reported in the literature in compound heterozygous individuals affected with retinitis pigmentosa, enhanced rod cone syndrome, or retinal dystrophy in settings of multi-gene panel testing (examples: Ge_2015, Stone_2017, Zampaglione_2020, Al-khuzaei_2020) or in individuals affected with enhanced rod cone syndrome without a second reported variant (example: Haider_2000). These data indicate that the variant is likely to be associated with disease. Multiple publications report experimental evidence evaluating an impact on protein function, with the most pronounced variant effect showing a complete loss of DNA binding ability (examples: Roduit_2009, Kanda_2009, Barrera_2016). The following publications have been ascertained in the context of this evaluation (PMID: 33138239, 27013732, 26667666, 10655056, 19898638, 15689355, 19823680, 28559085, 32037395). Two submitters have cited clinical-significance assessments for this variant to ClinVar after 2014. All submitters classified the variant as pathogenic. Based on the evidence outlined above, the variant was classified as pathogenic.

Blueprint Genetics
Classification: Pathogenic for NR2E3-related disorders. Last evaluated: 2022-09-20. Review status: criteria provided, single submitter. Criteria: ACMG Guidelines, 2015. Collection method: clinical testing. Allele origin: germline. Affected: yes. Observed: 5 variant alleles.

GeneDx
Classification: Pathogenic. Last evaluated: 2022-05-10. Review status: criteria provided, single submitter. Criteria: GeneDx Variant Classification Process June 2021. Collection method: clinical testing. Allele origin: germline. Affected: yes.
Comment: Published functional studies demonstrate a damaging effect; reduces activation of the target promoter, rhodopsin (Roduit et al., 2009; Kanda A and Swaroop, 2009); In silico analysis, which includes protein predictors and evolutionary conservation, supports a deleterious effect; A different missense change at this residue (R76Q) has been reported as likely pathogenic at GeneDx and in the published literature in association with NR2E3-related retinal dystrophies (Li et al., 2017; Murro et al., 2019); This variant is associated with the following publications: (PMID: 27013732, 19898638, 10655056, 15689355, 16225923, 28559085, 17564971, 33138239, 32037395, 26667666, 19718767, 19823680)

OMIM
Classification: Pathogenic for ENHANCED S-CONE SYNDROME 1. Last evaluated: 2000-02-01. Review status: no assertion criteria provided. Collection method: literature only. Allele origin: germline. Not counted in ClinVar's aggregate classification.

Literature cited by the submitters: PubMed 10655056 (cited by 4 submitters); PubMed 26667666 (cited by 3 submitters); PubMed 28559085 (cited by 3 submitters); PubMed 19823680 (cited by Labcorp Genetics (formerly Invitae), Labcorp and Women's Health and Genetics/Laboratory Corporation of America, LabCorp); PubMed 19898638 (cited by Labcorp Genetics (formerly Invitae), Labcorp and Women's Health and Genetics/Laboratory Corporation of America, LabCorp); PubMed 27013732 (cited by Labcorp Genetics (formerly Invitae), Labcorp and Women's Health and Genetics/Laboratory Corporation of America, LabCorp); PubMed 28418496 (cited by Labcorp Genetics (formerly Invitae), Labcorp); PubMed 30324420 (cited by Labcorp Genetics (formerly Invitae), Labcorp); PubMed 37648803 (cited by Natera, Inc.); PubMed 19718767 (cited by Natera, Inc.); PubMed 33138239 (cited by Natera, Inc. and Women's Health and Genetics/Laboratory Corporation of America, LabCorp); PubMed 32037395 (cited by Natera, Inc. and Women's Health and Genetics/Laboratory Corporation of America, LabCorp); PubMed 40180963 (cited by Ophthalmic Genetics Group, Institute of Molecular and Clinical Ophthalmology Basel); PubMed 15689355 (cited by Women's Health and Genetics/Laboratory Corporation of America, LabCorp).

NM_014249.4(NR2E3):c.226C>T (p.Arg76Trp)

Gene: NR2E3 (nuclear receptor subfamily 2 group E member 3; plus strand). Cytogenetic location: 15q23.
Variant type: single nucleotide variant.
Coding change: c.226C>T on transcript NM_014249.4 (MANE Select); coding-DNA position 226, C replaced by T.
Protein change: p.Arg76Trp; replaces arginine 76 with tryptophan.
Molecular consequence: missense variant.
Genome position (GRCh38, 1-based): chr15:71,811,590, C>T. VCF-style: chr15-71811590-C-T. GRCh37 (hg19) VCF-style: chr15-72103930-C-T.
Other names: NP_055064.1:p.(Arg76Trp); c.226C>T, p.Arg76Trp (NM_016346.4); short protein forms R76W.
Identifiers: ClinVar variation 5529 (VCV000005529.21), dbSNP rs104894492, ClinGen allele CA117571.